The following is an entry in ClinVar:

ClinVar aggregate classification (germline): Uncertain significance (1 of 4 stars; one submission).

Conditions:
Thrombocytopenia 1. Also called: THROMBOCYTOPENIA, X-LINKED, 1; X-linked thrombocytopenia with normal platelets; X-Linked Thrombocytopenia (XLT). Identifiers: Orphanet 268322, Orphanet 852, MedGen C1839163, MONDO:0010743, OMIM 313900.
Wiskott-Aldrich syndrome (WAS). Also called: ALDRICH SYNDROME; IMMUNODEFICIENCY 2; WISKOTT-ALDRICH SYNDROME 1; Wiskott-aldrich syndrome, somatic. Identifiers: Orphanet 906, MedGen C0043194, MONDO:0010518, OMIM 301000.
X-linked severe congenital neutropenia (SCNX). Identifiers: Orphanet 86788, MedGen C1845987, MONDO:0010294, OMIM 300299.

Submission:

Labcorp Genetics (formerly Invitae), Labcorp
Classification: Uncertain significance for Wiskott-Aldrich syndrome; X-linked severe congenital neutropenia; Thrombocytopenia 1. Last evaluated: 2024-02-24. Review status: criteria provided, single submitter. Criteria: Invitae Variant Classification Sherloc (09022015). Collection method: clinical testing. Allele origin: germline.
Comment: This sequence change replaces proline, which is neutral and non-polar, with arginine, which is basic and polar, at codon 399 of the WAS protein (p.Pro399Arg). This variant is not present in population databases (gnomAD no frequency). This variant has not been reported in the literature in individuals affected with WAS-related conditions. ClinVar contains an entry for this variant (Variation ID: 658817). Advanced modeling of protein sequence and biophysical properties (such as structural, functional, and spatial information, amino acid conservation, physicochemical variation, residue mobility, and thermodynamic stability) performed at Invitae indicates that this missense variant is not expected to disrupt WAS protein function with a negative predictive value of 80%. In summary, the available evidence is currently insufficient to determine the role of this variant in disease. Therefore, it has been classified as a Variant of Uncertain Significance.

NM_000377.3(WAS):c.1196C>G (p.Pro399Arg)

Gene: WAS (WASP actin nucleation promoting factor; plus strand). Cytogenetic location: Xp11.23.
Variant type: single nucleotide variant.
Coding change: c.1196C>G on transcript NM_000377.3 (MANE Select); coding-DNA position 1196, C replaced by G.
Protein change: p.Pro399Arg; replaces proline 399 with arginine.
Molecular consequence: missense variant.
Genome position (GRCh38, 1-based): chrX:48,688,924, C>G. VCF-style: chrX-48688924-C-G. GRCh37 (hg19) VCF-style: chrX-48547313-C-G.
Other names: short protein forms P399R.
Identifiers: ClinVar variation 658817 (VCV000658817.7), dbSNP rs1602179582, ClinGen allele CA412873480.